The following is an entry in ClinVar:

NM_002519.3(NPAT):c.1091C>T (p.Thr364Ile)

Gene: NPAT (nuclear protein, coactivator of histone transcription; minus strand). Cytogenetic location: 11q22.3.
Variant type: single nucleotide variant.
Coding change: c.1091C>T on transcript NM_002519.3 (MANE Select); coding-DNA position 1091, C replaced by T.
Protein change: p.Thr364Ile; replaces threonine 364 with isoleucine.
Molecular consequence: missense variant.
Genome position (GRCh38, 1-based): chr11:108,176,287, G>A on the plus strand (C>T on the coding strand, the complement: NPAT is on the minus strand). VCF-style: chr11-108176287-G-A. GRCh37 (hg19) VCF-style: chr11-108047014-G-A.
Other names: c.1091C>T, p.Thr364Ile (NM_001321307.1); short protein forms T364I.
Identifiers: ClinVar variation 3222445 (VCV003222445.1), dbSNP rs2496725703, ClinGen allele CA382516755.

ClinVar aggregate classification (germline): Uncertain significance (1 of 4 stars; one submission).

Submission:

Ambry Genetics
Classification: Uncertain significance. Last evaluated: 2023-11-18. Review status: criteria provided, single submitter. Criteria: Ambry Variant Classification Scheme 2023. Collection method: clinical testing. Allele origin: germline.
Comment: The p.T364I variant (also known as c.1091C>T), located in coding exon 12 of the NPAT gene, results from a C to T substitution at nucleotide position 1091. The threonine at codon 364 is replaced by isoleucine, an amino acid with similar properties. This amino acid position is conserved. In addition, this alteration is predicted to be tolerated by in silico analysis. Since supporting evidence is limited at this time, the clinical significance of this alteration remains unclear.